The following is an entry in ClinVar:

ClinVar aggregate classification (germline): Uncertain significance (1 of 4 stars; one submission).

Conditions:
Hereditary cancer-predisposing syndrome. Also called: Neoplastic Syndromes, Hereditary; Tumor predisposition; Hereditary Cancer Syndrome; Hereditary neoplastic syndrome. Identifiers: Orphanet 140162, MedGen C0027672, MeSH D009386, MONDO:0015356.

Submission:

Ambry Genetics
Classification: Uncertain significance for Hereditary cancer-predisposing syndrome. Last evaluated: 2024-11-02. Review status: criteria provided, single submitter. Criteria: Ambry Variant Classification Scheme 2023. Collection method: clinical testing. Allele origin: germline.
Comment: The p.P369R variant (also known as c.1106C>G), located in coding exon 8 of the PTCH1 gene, results from a C to G substitution at nucleotide position 1106. The proline at codon 369 is replaced by arginine, an amino acid with dissimilar properties. This amino acid position is conserved. In addition, this alteration is predicted to be deleterious by in silico analysis. Based on the available evidence, the clinical significance of this variant remains unclear.

NM_000264.5(PTCH1):c.1106C>G (p.Pro369Arg)

Gene: PTCH1 (patched 1; minus strand). Cytogenetic location: 9q22.32.
Variant type: single nucleotide variant.
Coding change: c.1106C>G on transcript NM_000264.5 (MANE Select); coding-DNA position 1106, C replaced by G.
Protein change: p.Pro369Arg; replaces proline 369 with arginine.
Molecular consequence: missense variant. On other transcripts: non-coding transcript variant (1).
Genome position (GRCh38, 1-based): chr9:95,479,109, G>C on the plus strand (C>G on the coding strand, the complement: PTCH1 is on the minus strand). VCF-style: chr9-95479109-G-C. GRCh37 (hg19) VCF-style: chr9-98241391-G-C.
Other names: c.908C>G, p.Pro303Arg (NM_001083602.3); c.1103C>G, p.Pro368Arg (NM_001083603.3); c.653C>G, p.Pro218Arg (NM_001083604.3, NM_001083605.3, NM_001083606.3 and 1 more transcripts); c.1106C>G, p.Pro369Arg (NM_001354918.2); short protein forms P303R, P218R, P368R, P369R.
Identifiers: ClinVar variation 3427315 (VCV003427315.1).